The following is an entry in ClinVar:

ClinVar aggregate classification (germline): Benign. Review status: criteria provided, multiple submitters, no conflicts (2 of 4 stars). 2 submissions from 2 submitters: Benign (2). Last evaluated 2018-06-19.

Allele frequency attached by ClinVar (database versions not stated): 1000 Genomes Project 30x 0.02498; 1000 Genomes Project 0.02616; TOPMed 0.03771; gnomAD 0.04136.
gnomAD v4.1: 23,820 of 527,366 alleles (4.5%); highest among the groups gnomAD compares: Middle Eastern, 5.3%; 684 homozygotes.

Submissions (2):

GeneDx
Classification: Benign. Last evaluated: 2018-06-19. Review status: criteria provided, single submitter. Criteria: GeneDx Variant Classification (06012015). Collection method: clinical testing. Allele origin: germline. Affected: yes.
Comment: This variant is considered likely benign or benign based on one or more of the following criteria: it is a conservative change, it occurs at a poorly conserved position in the protein, it is predicted to be benign by multiple in silico algorithms, and/or has population frequency not consistent with disease.

Breakthrough Genomics
Classification: Benign. Review status: criteria provided, single submitter. Criteria: ACMG Guidelines, 2015. Collection method: not provided. Allele origin: germline. Inheritance: Autosomal dominant inheritance. Affected: yes.

NM_001127222.2(CACNA1A):c.1255+132T>C

Gene: CACNA1A (calcium voltage-gated channel subunit alpha1 A; minus strand). Cytogenetic location: 19p13.13.
Variant type: single nucleotide variant.
Coding change: c.1255+132T>C on transcript NM_001127222.2 (MANE Select); 132 bases into the intron after coding-DNA position 1255, T replaced by C.
Molecular consequence: intron variant.
Genome position (GRCh38, 1-based): chr19:13,332,737, A>G on the plus strand (T>C on the coding strand, the complement: CACNA1A is on the minus strand). VCF-style: chr19-13332737-A-G. GRCh37 (hg19) VCF-style: chr19-13443551-A-G.
Other names: c.1255+132T>C (NM_001127221.2, NM_001174080.2, NM_000068.4 and 1 more transcripts).
Identifiers: ClinVar variation 681335 (VCV000681335.2), dbSNP rs41276892, ClinGen allele CA14719720.
Genomic context (GRCh38, chr19:13,332,737, plus strand): 5'-GTCCATGGTTAAAACAAAAAAGTGGAGGCCAGAATAGGGAAACTCTGCATGGAAGTCCTA[A>G]AATTCCTCCAAGAGGAACGTCTACCCTCTGCAAGATCCTTAGAACCAGTCACCTGCTCTC-3'